The following is an entry in ClinVar:

ClinVar aggregate classification (germline): Uncertain significance (1 of 4 stars; one submission).

Conditions:
Leigh syndrome (NULS). Also called: Leigh's necrotizing encephalopathy; Leigh's disease; Leigh's syndrome; LEIGH SYNDROME, NUCLEAR; Leigh Syndrome (mtDNA deletion); Leigh Disease. Identifiers: Orphanet 506, MedGen C2931891, MONDO:0009723, OMIM 256000.

Submission:

Wong Mito Lab, Molecular and Human Genetics, Baylor College of Medicine
Classification: Uncertain significance for Leigh syndrome. Last evaluated: 2019-10-17. Review status: criteria provided, single submitter. Criteria: Modified ACMG Guidelines (Unpublished). Collection method: clinical testing. Allele origin: germline.
Comment: The NC_012920.1:m.13612A>T (YP_003024036.1:p.Met426Leu) variant in MTND5 gene is interpretated to be a Uncertain Significance variant based on the modified ACMG guidelines (unpublished). This variant meets the following evidence codes: BP4

NC_012920.1(MT-ND5):m.13612A>T

Gene: MT-ND5 (mitochondrially encoded NADH dehydrogenase 5; plus strand).
Variant type: single nucleotide variant.
Genome position: chrM-13612-A-T.
Identifiers: ClinVar variation 693579 (VCV000693579.1), dbSNP rs1603224262, ClinGen allele CA414818755.
Genomic context (GRCh38, chrMT:13,612, plus strand): 5'-GCCTGAGCCCTATCTATTACTCTCATCGCTACCTCCCTGACAAGCGCCTATAGCACTCGA[A>T]TAATTCTTCTCACCCTAACAGGTCAACCTCGCTTCCCCACCCTTACTAACATTAACGAAA-3'